The following is an entry in ClinVar:

ClinVar aggregate classification (germline): Uncertain significance (1 of 4 stars; one submission).

Submission:

Labcorp Genetics (formerly Invitae), Labcorp
Classification: Uncertain significance. Last evaluated: 2025-11-18. Review status: criteria provided, single submitter. Criteria: Invitae Variant Classification Sherloc (09022015). Collection method: clinical testing. Allele origin: germline.
Comment: This sequence change replaces asparagine, which is neutral and polar, with aspartic acid, which is acidic and polar, at codon 737 of the GRIN2D protein (p.Asn737Asp). This variant is not present in population databases (gnomAD no frequency). This variant has not been reported in the literature in individuals affected with GRIN2D-related conditions. Invitae Evidence Modeling of protein sequence and biophysical properties (such as structural, functional, and spatial information, amino acid conservation, physicochemical variation, residue mobility, and thermodynamic stability) indicates that this missense variant is not expected to disrupt GRIN2D protein function with a negative predictive value of 80%. In summary, the available evidence is currently insufficient to determine the role of this variant in disease. Therefore, it has been classified as a Variant of Uncertain Significance.

NM_000836.4(GRIN2D):c.2209A>G (p.Asn737Asp)

Gene: GRIN2D (glutamate ionotropic receptor NMDA type subunit 2D; plus strand). Cytogenetic location: 19q13.33.
Variant type: single nucleotide variant.
Coding change: c.2209A>G on transcript NM_000836.4 (MANE Select); coding-DNA position 2209, A replaced by G.
Protein change: p.Asn737Asp; replaces asparagine 737 with aspartic acid.
Molecular consequence: missense variant.
Genome position (GRCh38, 1-based): chr19:48,421,902, A>G. VCF-style: chr19-48421902-A-G. GRCh37 (hg19) VCF-style: chr19-48925159-A-G.
Other names: short protein forms N737D.
Identifiers: ClinVar variation 4743478 (VCV004743478.1).